The following is an entry in ClinVar:

ClinVar aggregate classification (germline): Uncertain significance (1 of 4 stars; one submission).

Conditions:
Alstrom syndrome (ALMS). Identifiers: Orphanet 64, MedGen C0268425, MONDO:0008763, OMIM 203800.

Allele frequency attached by ClinVar (database versions not stated): gnomAD exomes below 0.00001.
gnomAD v4.1: 1 of 1,613,072 alleles (0.000062%); highest among the groups gnomAD compares: Non-Finnish European, 0.000085%; no homozygotes.

Submission:

Labcorp Genetics (formerly Invitae), Labcorp
Classification: Uncertain significance for Alstrom syndrome. Last evaluated: 2022-03-20. Review status: criteria provided, single submitter. Criteria: Invitae Variant Classification Sherloc (09022015). Collection method: clinical testing. Allele origin: germline.
Comment: This sequence change replaces cysteine, which is neutral and slightly polar, with serine, which is neutral and polar, at codon 138 of the ALMS1 protein (p.Cys138Ser). This variant is not present in population databases (gnomAD no frequency). This variant has not been reported in the literature in individuals affected with ALMS1-related conditions. Experimental studies and prediction algorithms are not available or were not evaluated, and the functional significance of this variant is currently unknown. In summary, the available evidence is currently insufficient to determine the role of this variant in disease. Therefore, it has been classified as a Variant of Uncertain Significance.

NM_001378454.1(ALMS1):c.410G>C (p.Cys137Ser)

Gene: ALMS1 (ALMS1 centrosome and basal body associated protein; plus strand). Cytogenetic location: 2p13.1.
Variant type: single nucleotide variant.
Coding change: c.410G>C on transcript NM_001378454.1 (MANE Select); coding-DNA position 410, G replaced by C.
Protein change: p.Cys137Ser; replaces cysteine 137 with serine.
Molecular consequence: missense variant.
Genome position (GRCh38, 1-based): chr2:73,408,707, G>C. VCF-style: chr2-73408707-G-C. GRCh37 (hg19) VCF-style: chr2-73635835-G-C.
Other names: c.413G>C, p.Cys138Ser (NM_015120.4); short protein forms C137S, C138S.
Identifiers: ClinVar variation 1980642 (VCV001980642.3), dbSNP rs1671018720, ClinGen allele CA347257668.